The following is an entry in ClinVar:

NM_000260.4(MYO7A):c.254T>C (p.Leu85Pro)

Gene: MYO7A (myosin VIIA; plus strand). Cytogenetic location: 11q13.5.
Variant type: single nucleotide variant.
Coding change: c.254T>C on transcript NM_000260.4 (MANE Select); coding-DNA position 254, T replaced by C.
Protein change: p.Leu85Pro; replaces leucine 85 with proline.
Molecular consequence: missense variant.
Genome position (GRCh38, 1-based): chr11:77,147,919, T>C. VCF-style: chr11-77147919-T-C. GRCh37 (hg19) VCF-style: chr11-76858965-T-C.
Other names: c.254T>C, p.Leu85Pro (NM_001127180.2); c.221T>C, p.Leu74Pro (NM_001369365.1); short protein forms L74P, L85P.
Identifiers: ClinVar variation 934702 (VCV000934702.16), dbSNP rs1325184426, ClinGen allele CA381929282.
Genomic context (GRCh38, chr11:77,147,919, plus strand): 5'-ACGGCGTGGAGGACATGATCCGCCTGGGGGACCTCAACGAGGCGGGCATCTTGCGCAACC[T>C]GCTTATCCGCTACCGGGACCACCTCATCTACGTGAGTGCCGCCCCGCCCGGTGCCCGTCC-3'
Protein context (NP_000251.3, residues 75-95): DLNEAGILRN[Leu85Pro]LIRYRDHLIY

ClinVar aggregate classification (germline): Conflicting classifications of pathogenicity. Review status: criteria provided, conflicting classifications (1 of 4 stars). 5 submissions from 5 submitters: Pathogenic (1); Likely pathogenic (1); Uncertain significance (3). Last evaluated 2026-08-10.

Conditions:
Usher syndrome type 1 (USH1). Also called: RETINITIS PIGMENTOSA AND CONGENITAL DEAFNESS. Identifiers: Orphanet 231169, Orphanet 886, MedGen C1568247, MONDO:0010168, OMIM 276900.

Allele frequency attached by ClinVar (database versions not stated): TOPMed below 0.00001; gnomAD exomes 0.00001 and 0.00002.
gnomAD v4.1: 3 of 1,566,918 alleles (0.00019%); highest among the groups gnomAD compares: Admixed American, 0.0057%; no homozygotes.

Submissions (5):

Myriad Genetics, Inc.
Classification: Uncertain significance for Usher syndrome type 1. Last evaluated: 2026-08-10. Review status: criteria provided, single submitter. Criteria: Myriad Autosomal Dominant, Autosomal Recessive and X-Linked Classification Criteria (2023). Collection method: clinical testing. Allele origin: unknown.
Comment: NM_000260.3(MYO7A):c.254T>C(L85P) is a missense variant classified as a variant of uncertain significance in the context of MYO7A-related disorders. L85P has not been observed in cases with relevant disease. Relevant functional assessments of this variant are not available in the literature. L85P has been observed in referenced population frequency databases. In summary, there is insufficient evidence to classify NM_000260.3(MYO7A):c.254T>C(L85P) as pathogenic or benign. Please note: this variant was assessed in the context of healthy population screening.

GeneDx
Classification: Likely pathogenic. Last evaluated: 2025-11-20. Review status: criteria provided, single submitter. Criteria: GeneDx Variant Classification Process June 2021. Collection method: clinical testing. Allele origin: germline. Affected: yes.
Comment: In silico analysis supports that this missense variant has a deleterious effect on protein structure/function; Has not been previously published as pathogenic or benign to our knowledge

Women's Health and Genetics/Laboratory Corporation of America, LabCorp
Classification: Uncertain significance. Last evaluated: 2025-10-01. Review status: criteria provided, single submitter. Criteria: LabCorp Variant Classification Summary - May 2015. Collection method: clinical testing. Allele origin: germline.
Comment: Variant summary: MYO7A c.254T>C (p.Leu85Pro) results in a non-conservative amino acid change in the encoded protein sequence. Algorithms developed to predict the effect of missense changes on protein structure and function all suggest that this variant is likely to be disruptive. The variant allele was found at a frequency of 1.7e-05 in 174394 control chromosomes. c.254T>C has been observed in individual(s) affected with Usher Syndrome (internal_data). These data indicate that the variant may be associated with disease. To our knowledge, no experimental evidence demonstrating an impact on protein function has been reported. ClinVar contains an entry for this variant (Variation ID: 934702). Based on the evidence outlined above, the variant was classified as VUS-possibly pathogenic.

Labcorp Genetics (formerly Invitae), Labcorp
Classification: Pathogenic. Last evaluated: 2024-03-28. Review status: criteria provided, single submitter. Criteria: Invitae Variant Classification Sherloc (09022015). Collection method: clinical testing. Allele origin: germline.
Comment: This sequence change replaces leucine, which is neutral and non-polar, with proline, which is neutral and non-polar, at codon 85 of the MYO7A protein (p.Leu85Pro). This variant is present in population databases (no rsID available, gnomAD 0.01%). This missense change has been observed in individual(s) with clinical features of autosomal recessive Usher syndrome (Invitae). ClinVar contains an entry for this variant (Variation ID: 934702). Advanced modeling of protein sequence and biophysical properties (such as structural, functional, and spatial information, amino acid conservation, physicochemical variation, residue mobility, and thermodynamic stability) performed at Invitae indicates that this missense variant is expected to disrupt MYO7A protein function with a positive predictive value of 95%. For these reasons, this variant has been classified as Pathogenic.

Blueprint Genetics
Classification: Uncertain significance. Last evaluated: 2021-06-25. Review status: criteria provided, single submitter. Criteria: ACMG Guidelines, 2015. Collection method: clinical testing. Allele origin: germline.